The following is an entry in ClinVar:

ClinVar aggregate classification (germline): Uncertain significance (1 of 4 stars; one submission).

Submission:

Labcorp Genetics (formerly Invitae), Labcorp
Classification: Uncertain significance. Last evaluated: 2023-08-14. Review status: criteria provided, single submitter. Criteria: Invitae Variant Classification Sherloc (09022015). Collection method: clinical testing. Allele origin: germline.
Comment: This sequence change replaces valine, which is neutral and non-polar, with leucine, which is neutral and non-polar, at codon 1475 of the CACNA1E protein (p.Val1475Leu). This variant is not present in population databases (gnomAD no frequency). This variant has not been reported in the literature in individuals affected with CACNA1E-related conditions. Advanced modeling of protein sequence and biophysical properties (such as structural, functional, and spatial information, amino acid conservation, physicochemical variation, residue mobility, and thermodynamic stability) has been performed at Invitae for this missense variant, however the output from this modeling did not meet the statistical confidence thresholds required to predict the impact of this variant on CACNA1E protein function. In summary, the available evidence is currently insufficient to determine the role of this variant in disease. Therefore, it has been classified as a Variant of Uncertain Significance.

NM_001205293.3(CACNA1E):c.4423G>T (p.Val1475Leu)

Gene: CACNA1E (calcium voltage-gated channel subunit alpha1 E; plus strand). Cytogenetic location: 1q25.3.
Variant type: single nucleotide variant.
Coding change: c.4423G>T on transcript NM_001205293.3 (MANE Select); coding-DNA position 4423, G replaced by T.
Protein change: p.Val1475Leu; replaces valine 1475 with leucine.
Molecular consequence: missense variant.
Genome position (GRCh38, 1-based): chr1:181,758,040, G>T. VCF-style: chr1-181758040-G-T. GRCh37 (hg19) VCF-style: chr1-181727176-G-T.
Other names: c.4423G>T, p.Val1475Leu (NM_000721.4); c.4366G>T, p.Val1456Leu (NM_001205294.2); short protein forms V1475L, V1456L.
Identifiers: ClinVar variation 2752275 (VCV002752275.3), dbSNP rs2528986270, ClinGen allele CA343625037.